The following is an entry in ClinVar:

ClinVar aggregate classification (germline): Uncertain significance. Review status: criteria provided, multiple submitters, no conflicts (2 of 4 stars). 3 submissions from 3 submitters: Uncertain significance (2). 1 of the submissions does not count toward it. Last evaluated 2026-04-28.

Conditions:
Bifunctional peroxisomal enzyme deficiency (DBIF). Also called: DBP DEFICIENCY; PBFE DEFICIENCY; D-bifunctional protein deficiency. Identifiers: Orphanet 300, MedGen C0342870, MONDO:0009855, OMIM 261515. Disease mechanism: loss of function.
Perrault syndrome. Also called: Gonadal dysgenesis with auditory dysfunction, autosomal recessive inheritance. Identifiers: Orphanet 2855, MedGen C0685838, MONDO:0017312.

Allele frequency attached by ClinVar (database versions not stated): TOPMed 0.00001; gnomAD 0.00003 and 0.00004; ESP Exome Variant Server 0.00008.
gnomAD v4.1: 38 of 1,613,576 alleles (0.0024%); highest among the groups gnomAD compares: Admixed American, 0.0033%; no homozygotes.

Submissions (3):

Myriad Genetics, Inc.
Classification: Uncertain significance for Bifunctional peroxisomal enzyme deficiency. Last evaluated: 2026-04-28. Review status: criteria provided, single submitter. Criteria: Myriad Autosomal Dominant, Autosomal Recessive and X-Linked Classification Criteria (2023). Collection method: clinical testing. Allele origin: unknown.
Comment: NM_000414.3(HSD17B4):c.566G>C(C189S) is a missense variant classified as a variant of uncertain significance in the context of HSD17B4-related disorders. C189S has not been observed in cases with relevant disease. Relevant functional assessments of this variant are not available in the literature. C189S has been observed in referenced population frequency databases. In summary, there is insufficient evidence to classify NM_000414.3(HSD17B4):c.566G>C(C189S) as pathogenic or benign. Please note: this variant was assessed in the context of healthy population screening.

Labcorp Genetics (formerly Invitae), Labcorp
Classification: Uncertain significance for Perrault syndrome; Bifunctional peroxisomal enzyme deficiency. Last evaluated: 2021-09-01. Review status: criteria provided, single submitter. Criteria: Invitae Variant Classification Sherloc (09022015). Collection method: clinical testing. Allele origin: germline.
Comment: This sequence change replaces cysteine with serine at codon 189 of the HSD17B4 protein (p.Cys189Ser). The cysteine residue is highly conserved and there is a moderate physicochemical difference between cysteine and serine. This variant is present in population databases (rs372914814, ExAC 0.006%). This variant has not been reported in the literature in individuals affected with HSD17B4-related conditions. Algorithms developed to predict the effect of missense changes on protein structure and function (SIFT, PolyPhen-2, Align-GVGD) all suggest that this variant is likely to be tolerated. In summary, the available evidence is currently insufficient to determine the role of this variant in disease. Therefore, it has been classified as a Variant of Uncertain Significance.

Natera, Inc.
Classification: Uncertain significance for Bifunctional peroxisomal enzyme deficiency. Last evaluated: 2020-01-17. Review status: no assertion criteria provided. Collection method: clinical testing. Allele origin: germline. Not counted in ClinVar's aggregate classification.

NM_000414.4(HSD17B4):c.566G>C (p.Cys189Ser)

Gene: HSD17B4 (hydroxysteroid 17-beta dehydrogenase 4; plus strand). Cytogenetic location: 5q23.1.
Variant type: single nucleotide variant.
Coding change: c.566G>C on transcript NM_000414.4 (MANE Select); coding-DNA position 566, G replaced by C.
Protein change: p.Cys189Ser; replaces cysteine 189 with serine.
Molecular consequence: missense variant. On other transcripts: non-coding transcript variant (2).
Genome position (GRCh38, 1-based): chr5:119,478,965, G>C. VCF-style: chr5-119478965-G-C. GRCh37 (hg19) VCF-style: chr5-118814660-G-C.
Other names: c.641G>C, p.Cys214Ser (NM_001199291.3); c.512G>C, p.Cys171Ser (NM_001199292.2); c.494G>C, p.Cys165Ser (NM_001292027.2); c.146G>C, p.Cys49Ser (NM_001292028.2); c.557G>C, p.Cys186Ser (NM_001374497.1); c.566G>C, p.Cys189Ser (NM_001374498.1); c.239G>C, p.Cys80Ser (NM_001374499.1); c.125G>C, p.Cys42Ser (NM_001374500.1); and 1 more; short protein forms C165S, C171S, C186S, C189S, C214S, C42S, C49S, C52S.
Identifiers: ClinVar variation 1006616 (VCV001006616.8), dbSNP rs372914814, ClinGen allele CA3381877.